The following is an entry in ClinVar:

ClinVar aggregate classification (germline): Uncertain significance (1 of 4 stars; one submission).

Allele frequency attached by ClinVar (database versions not stated): TOPMed 0.00001; gnomAD 0.00003.
gnomAD v4.1: 32 of 1,565,640 alleles (0.002%); highest among the groups gnomAD compares: Admixed American, 0.045%; no homozygotes.

Submission:

Labcorp Genetics (formerly Invitae), Labcorp
Classification: Uncertain significance. Last evaluated: 2026-01-30. Review status: criteria provided, single submitter. Criteria: Invitae Variant Classification Sherloc (09022015). Collection method: clinical testing. Allele origin: germline.
Comment: This variant occurs in a non-coding region of the ANKRD26 gene. It does not change the encoded amino acid sequence of the ANKRD26 protein. This variant is present in population databases (no rsID available, gnomAD 0.1%). This variant has been observed in individual(s) with thrombocytopenia (PMID: 38103590). ClinVar contains an entry for this variant (Variation ID: 1990021). In summary, the available evidence is currently insufficient to determine the role of this variant in disease. Therefore, it has been classified as a Variant of Uncertain Significance.

Literature cited by the submitters: PubMed 38103590.

NM_014915.3(ANKRD26):c.-86C>T

Gene: ANKRD26 (ankyrin repeat domain 26; minus strand). Cytogenetic location: 10p12.1.
Variant type: single nucleotide variant.
Coding change: c.-86C>T on transcript NM_014915.3 (MANE Select); 86 bases upstream of the start codon, C replaced by T.
Molecular consequence: 5 prime UTR variant.
Genome position (GRCh38, 1-based): chr10:27,100,412, G>A on the plus strand (C>T on the coding strand, the complement: ANKRD26 is on the minus strand). VCF-style: chr10-27100412-G-A. GRCh37 (hg19) VCF-style: chr10-27389341-G-A.
Other names: c.-86C>T (NM_001256053.2).
Identifiers: ClinVar variation 1990021 (VCV001990021.4), dbSNP rs1290202605, ClinGen allele CA592780401.
Genomic context (GRCh38, chr10:27,100,412, plus strand): 5'-CACCTCATGTCTCTCTCGGCTCTTAACGGCCTCCGGAGCCCAACATAACAAGTCAGCCCC[G>A]GCTGGCCGCAGCCTCCCAAAGGAAACTCCGCGGTTTCCAATCTCTCCCTCCGGGTTACCA-3'